The following is an entry in ClinVar:

ClinVar aggregate classification (germline): Uncertain significance (1 of 4 stars; one submission).

gnomAD v4.1: 6 of 1,613,982 alleles (0.00037%); highest among the groups gnomAD compares: South Asian, 0.0066%; no homozygotes.

Submission:

Labcorp Genetics (formerly Invitae), Labcorp
Classification: Uncertain significance. Last evaluated: 2025-02-16. Review status: criteria provided, single submitter. Criteria: Invitae Variant Classification Sherloc (09022015). Collection method: clinical testing. Allele origin: germline.
Comment: This sequence change replaces threonine, which is neutral and polar, with isoleucine, which is neutral and non-polar, at codon 1766 of the ABCA12 protein (p.Thr1766Ile). This variant is not present in population databases (gnomAD no frequency). This variant has not been reported in the literature in individuals affected with ABCA12-related conditions. Invitae Evidence Modeling of protein sequence and biophysical properties (such as structural, functional, and spatial information, amino acid conservation, physicochemical variation, residue mobility, and thermodynamic stability) indicates that this missense variant is not expected to disrupt ABCA12 protein function with a negative predictive value of 95%. In summary, the available evidence is currently insufficient to determine the role of this variant in disease. Therefore, it has been classified as a Variant of Uncertain Significance.

NM_173076.3(ABCA12):c.5297C>T (p.Thr1766Ile)

Gene: ABCA12 (ATP binding cassette subfamily A member 12; minus strand). Cytogenetic location: 2q35.
Variant type: single nucleotide variant.
Coding change: c.5297C>T on transcript NM_173076.3 (MANE Select); coding-DNA position 5297, C replaced by T.
Protein change: p.Thr1766Ile; replaces threonine 1766 with isoleucine.
Molecular consequence: missense variant. On other transcripts: non-coding transcript variant (1).
Genome position (GRCh38, 1-based): chr2:214,975,869, G>A on the plus strand (C>T on the coding strand, the complement: ABCA12 is on the minus strand). VCF-style: chr2-214975869-G-A. GRCh37 (hg19) VCF-style: chr2-215840593-G-A.
Other names: c.4343C>T, p.Thr1448Ile (NM_015657.4); short protein forms T1448I, T1766I.
Identifiers: ClinVar variation 4780672 (VCV004780672.1).